The following is an entry in ClinVar:

NM_138961.3(ESAM):c.446T>C (p.Val149Ala)

Gene: ESAM (endothelial cell adhesion molecule; minus strand). Cytogenetic location: 11q24.2.
Variant type: single nucleotide variant.
Coding change: c.446T>C on transcript NM_138961.3 (MANE Select); coding-DNA position 446, T replaced by C.
Protein change: p.Val149Ala; replaces valine 149 with alanine.
Molecular consequence: missense variant.
Genome position (GRCh38, 1-based): chr11:124,756,546, A>G on the plus strand (T>C on the coding strand, the complement: ESAM is on the minus strand). VCF-style: chr11-124756546-A-G. GRCh37 (hg19) VCF-style: chr11-124626442-A-G.
Other names: short protein forms V149A.
Identifiers: ClinVar variation 3510290 (VCV003510290.3).

ClinVar aggregate classification (germline): Uncertain significance. Review status: criteria provided, multiple submitters, no conflicts (2 of 4 stars). 2 submissions from 2 submitters: Uncertain significance (2). Last evaluated 2025-11-06.

gnomAD v4.1: 54 of 1,613,960 alleles (0.0033%); highest among the groups gnomAD compares: Admixed American, 0.032%; no homozygotes.

Submissions (2):

Dasa
Classification: Uncertain significance. Last evaluated: 2025-11-06. Review status: criteria provided, single submitter. Criteria: DASA Assertion Criteria. Collection method: clinical testing. Allele origin: germline.
Comment: NM_138961.3(ESAM):c.446T>C (p.Val149Ala) is a missense variant that results in the substitution of valine with alanine. This variant is rare in population databases. The currently available literature and clinical evidence are not sufficient to establish a definitive association between this variant and the reported condition. Therefore, this variant is classified as a variant of uncertain significance.

Ambry Genetics
Classification: Uncertain significance. Last evaluated: 2024-10-12. Review status: criteria provided, single submitter. Criteria: Ambry Variant Classification Scheme 2023. Collection method: clinical testing. Allele origin: germline.